The following is an entry in ClinVar:

NM_000264.5(PTCH1):c.1926A>G (p.Pro642=)

Genes: PTCH1 (patched 1; minus strand), LOC100507346 (uncharacterized LOC100507346; plus strand). Cytogenetic location: 9q22.32.
Variant type: single nucleotide variant.
Coding change: c.1926A>G on transcript NM_000264.5 (MANE Select); coding-DNA position 1926, A replaced by G.
Protein change: p.Pro642=; no amino-acid change (proline 642 retained).
Molecular consequence: synonymous variant. On other transcripts: non-coding transcript variant (2).
Genome position (GRCh38, 1-based): chr9:95,469,075, T>C on the plus strand (A>G on the coding strand, the complement: PTCH1 is on the minus strand). VCF-style: chr9-95469075-T-C. GRCh37 (hg19) VCF-style: chr9-98231357-T-C.
Other names: c.1728A>G, p.Pro576= (NM_001083602.3); c.1923A>G, p.Pro641= (NM_001083603.3); c.1473A>G, p.Pro491= (NM_001083604.3, NM_001083605.3, NM_001083606.3 and 1 more transcripts); c.1770A>G, p.Pro590= (NM_001354918.2).
Identifiers: ClinVar variation 2847711 (VCV002847711.12), dbSNP rs1288935191, ClinGen allele CA466113656.

ClinVar aggregate classification (germline): Likely benign. Review status: criteria provided, multiple submitters, no conflicts (2 of 4 stars). 3 submissions from 3 submitters: Likely benign (3). Last evaluated 2025-08-01.

Conditions:
Hereditary cancer-predisposing syndrome. Also called: Hereditary Cancer Syndrome; Hereditary neoplastic syndrome; Neoplastic Syndromes, Hereditary; Tumor predisposition. Identifiers: Orphanet 140162, MedGen C0027672, MeSH D009386, MONDO:0015356.
Gorlin syndrome. Also called: Nevoid Basal Cell Carcinoma Syndrome; Basal cell nevus syndrome. Identifiers: Orphanet 377, MedGen C0004779, MONDO:0007187.

Allele frequency attached by ClinVar (database versions not stated): TOPMed below 0.00001.

Submissions (3):

CeGaT Center for Human Genetics Tuebingen
Classification: Likely benign. Last evaluated: 2025-08-01. Review status: criteria provided, single submitter. Criteria: CeGaT Center For Human Genetics Tuebingen Variant Classification Criteria Version 2. Collection method: clinical testing. Allele origin: germline. Affected: yes. Observed: 1 variant allele.
Comment: PTCH1: PM2:Supporting, BP4, BP7

Ambry Genetics
Classification: Likely benign for Hereditary cancer-predisposing syndrome. Last evaluated: 2024-04-10. Review status: criteria provided, single submitter. Criteria: Ambry Variant Classification Scheme 2023. Collection method: clinical testing. Allele origin: germline.

Labcorp Genetics (formerly Invitae), Labcorp
Classification: Likely benign for Gorlin syndrome. Last evaluated: 2023-08-07. Review status: criteria provided, single submitter. Criteria: Invitae Variant Classification Sherloc (09022015). Collection method: clinical testing. Allele origin: germline.